The following is an entry in ClinVar:

NM_000587.4(C7):c.1482T>G (p.Asn494Lys)

Gene: C7 (complement C7; plus strand). Cytogenetic location: 5p13.1.
Variant type: single nucleotide variant.
Coding change: c.1482T>G on transcript NM_000587.4 (MANE Select); coding-DNA position 1482, T replaced by G.
Protein change: p.Asn494Lys; replaces asparagine 494 with lysine.
Molecular consequence: missense variant.
Genome position (GRCh38, 1-based): chr5:40,958,254, T>G. VCF-style: chr5-40958254-T-G. GRCh37 (hg19) VCF-style: chr5-40958356-T-G.
Other names: c.1482T>G (NM_000587.3); short protein forms N494K.
Identifiers: ClinVar variation 2038937 (VCV002038937.3), dbSNP rs369519856, ClinGen allele CA3249978.

ClinVar aggregate classification (germline): Uncertain significance. Review status: criteria provided, multiple submitters, no conflicts (2 of 4 stars). 2 submissions from 2 submitters: Uncertain significance (2). Last evaluated 2023-01-18.

Conditions:
C7-related disorder. Also called: C7-related condition.

Allele frequency attached by ClinVar (database versions not stated): ExAC 0.00004; TOPMed 0.00005; gnomAD 0.00006; ESP Exome Variant Server 0.00008.
gnomAD v4.1: 23 of 1,597,300 alleles (0.0014%); highest among the groups gnomAD compares: Middle Eastern, 0.033%; no homozygotes.

Submissions (2):

PreventionGenetics, part of Exact Sciences
Classification: Uncertain significance for C7-related condition. Last evaluated: 2023-01-18. Review status: criteria provided, single submitter. Criteria: ACMG Guidelines, 2015. Collection method: clinical testing. Allele origin: germline.
Comment: The C7 c.1482T>G variant is predicted to result in the amino acid substitution p.Asn494Lys. This variant was reported in an individual with Inflammatory bowel disease, very early onset (Kelsen et al 2015. PubMed ID: 26193622). This variant is reported in 0.017% of alleles in individuals of African descent in gnomAD. At this time, the clinical significance of this variant is uncertain due to the absence of conclusive functional and genetic evidence.

Labcorp Genetics (formerly Invitae), Labcorp
Classification: Uncertain significance. Last evaluated: 2022-06-26. Review status: criteria provided, single submitter. Criteria: Invitae Variant Classification Sherloc (09022015). Collection method: clinical testing. Allele origin: germline.
Comment: This variant is present in population databases (rs369519856, gnomAD 0.02%). In summary, the available evidence is currently insufficient to determine the role of this variant in disease. Therefore, it has been classified as a Variant of Uncertain Significance. Algorithms developed to predict the effect of missense changes on protein structure and function (SIFT, PolyPhen-2, Align-GVGD) all suggest that this variant is likely to be tolerated. This variant has not been reported in the literature in individuals affected with C7-related conditions. This sequence change replaces asparagine, which is neutral and polar, with lysine, which is basic and polar, at codon 494 of the C7 protein (p.Asn494Lys).